The following is an entry in ClinVar:

NM_000111.3(SLC26A3):c.386C>T (p.Pro129Leu)

Gene: SLC26A3 (solute carrier family 26 member 3; minus strand). Cytogenetic location: 7q22.3.
Variant type: single nucleotide variant.
Coding change: c.386C>T on transcript NM_000111.3 (MANE Select); coding-DNA position 386, C replaced by T.
Protein change: p.Pro129Leu; replaces proline 129 with leucine.
Molecular consequence: missense variant.
Genome position (GRCh38, 1-based): chr7:107,791,232, G>A on the plus strand (C>T on the coding strand, the complement: SLC26A3 is on the minus strand). VCF-style: chr7-107791232-G-A. GRCh37 (hg19) VCF-style: chr7-107431677-G-A.
Other names: short protein forms P129L.
Identifiers: ClinVar variation 55998 (VCV000055998.13), dbSNP rs386833480, ClinGen allele CA144095.
Genomic context (GRCh38, chr7:107,791,232, plus strand): 5'-ACTGCTTTTGAAACTGCTCCTGAAACTGCTAGTCCCACCATCATACTCAGAATCGGAAAC[G>A]GACCTAATTAACAGTGGGTGAATCGTGGTCAGTATATGCCTCTCTAAAGCACATTGTCTT-3'
Protein context (NP_000102.1, residues 119-139): FGTSRHISVG[Pro129Leu]FPILSMMVGL

ClinVar aggregate classification (germline): Conflicting classifications of pathogenicity. Review status: criteria provided, conflicting classifications (1 of 4 stars). 6 submissions from 6 submitters: Likely pathogenic (4); Uncertain significance (1). 1 of the submissions does not count toward it. Last evaluated 2026-06-12.

Conditions:
SLC26A3-related disorder. Also called: SLC26A3-related condition.
Congenital secretory diarrhea, chloride type (DIAR1). Also called: CHLORIDE DIARRHEA, CONGENITAL, FINNISH TYPE; DIARRHEA 1, SECRETORY CHLORIDE, CONGENITAL; CHLORIDORRHEA, CONGENITAL. Identifiers: Orphanet 53689, MedGen C0267662, MONDO:0008964, OMIM 214700.

Allele frequency attached by ClinVar (database versions not stated): TOPMed 0.00003.

Submissions (6):

PreventionGenetics, part of Exact Sciences
Classification: Likely pathogenic for SLC26A3-related condition. Last evaluated: 2026-06-12. Review status: criteria provided, single submitter. Criteria: ACMG Guidelines, 2015. Collection method: clinical testing. Allele origin: germline.
Comment: The SLC26A3 c.386C>T variant is predicted to result in the amino acid substitution p.Pro129Leu. This variant was reported in the homozygous state in individuals with congenital chloride diarrhea and in a congenital chloride diarrhea cohort study (Wedenoja et al. 2011. PubMed ID: 21394828; Canani et al. 2013. PubMed ID: 24350656; Masip et al. 2019. PubMed ID: 31976143). This variant is reported in 0.0062% of alleles in individuals of African descent in gnomAD. This variant is interpreted as likely pathogenic.

Labcorp Genetics (formerly Invitae), Labcorp
Classification: Likely pathogenic. Last evaluated: 2025-08-15. Review status: criteria provided, single submitter. Criteria: Invitae Variant Classification Sherloc (09022015). Collection method: clinical testing. Allele origin: germline.
Comment: This sequence change replaces proline, which is neutral and non-polar, with leucine, which is neutral and non-polar, at codon 129 of the SLC26A3 protein (p.Pro129Leu). This variant is present in population databases (rs386833480, gnomAD 0.01%). This missense change has been observed in individual(s) with congenital chloride diarrhea (PMID: 21394828, 24350656, 31976143). ClinVar contains an entry for this variant (Variation ID: 55998). Invitae Evidence Modeling of protein sequence and biophysical properties (such as structural, functional, and spatial information, amino acid conservation, physicochemical variation, residue mobility, and thermodynamic stability) indicates that this missense variant is expected to disrupt SLC26A3 protein function with a positive predictive value of 80%. In summary, the currently available evidence indicates that the variant is pathogenic, but additional data are needed to prove that conclusively. Therefore, this variant has been classified as Likely Pathogenic.

Women's Health and Genetics/Laboratory Corporation of America, LabCorp
Classification: Likely pathogenic for Congenital secretory diarrhea, chloride type. Last evaluated: 2023-08-07. Review status: criteria provided, single submitter. Criteria: LabCorp Variant Classification Summary - May 2015. Collection method: clinical testing. Allele origin: germline.
Comment: Variant summary: SLC26A3 c.386C>T (p.Pro129Leu) results in a non-conservative amino acid change located in the SLC26A/SulP transporter domain (IPR011547) of the encoded protein sequence. Five of five in-silico tools predict a damaging effect of the variant on protein function. The variant allele was found at a frequency of 8e-06 in 251422 control chromosomes (gnomAD). c.386C>T has been reported in the literature as a biallelic genotype in at least three individuals affected with Congenital secretory diarrhea, chloride type, including one case of a homozygous individual who also had a diagnosis of Cystic Fibrosis, however pseudo-Bartters syndrome was ruled out in favor of congenital chloride diarrhea following urine and electrolyte stool studies and genetic analysis (e.g. Wedenoja_2011, Canani_2013, Masip_2020, Heinz-Erian_2021 (no PMID)). These data indicate that the variant is likely to be associated with disease. To our knowledge, no experimental evidence demonstrating an impact on protein function has been reported. The following publications have been ascertained in the context of this evaluation (PMID: 24350656, 31976143, 21394828) Two submitters have cited clinical-significance assessments for this variant to ClinVar after 2014. One submitter classified the variant as likely pathogenic, and the other classified the variant as uncertain significance. Based on the evidence outlined above, the variant was classified as likely pathogenic.

Department of Pathology and Laboratory Medicine, Sinai Health System
Classification: Uncertain significance for Congenital secretory diarrhea, chloride type. Last evaluated: 2022-08-22. Review status: criteria provided, single submitter. Criteria: ACMG Guidelines, 2015. Collection method: research. Allele origin: germline.

Institute of Human Genetics Munich, TUM University Hospital
Classification: Likely pathogenic for Congenital secretory diarrhea, chloride type. Last evaluated: 2017-09-08. Review status: criteria provided, single submitter. Criteria: Classification criteria August 2017. Collection method: clinical testing. Allele origin: inherited. Inheritance: Autosomal recessive inheritance. Affected: yes. Observed: 1 homozygote.

Juha Muilu Group; Institute for Molecular Medicine Finland (FIMM)
Classification: Likely pathogenic for Congenital secretory diarrhea, chloride type. Review status: no assertion criteria provided. Collection method: not provided. Allele origin: unknown. Not counted in ClinVar's aggregate classification.
Comment: FinDis database variant: This variant was not found or characterized by our laboratory, data were collected from public sources: see reference
ClinVar note: Converted during submission from probable-pathogenic to Likely pathogenic.

Literature cited by the submitters: PubMed 21394828 (cited by Labcorp Genetics (formerly Invitae), Labcorp and Women's Health and Genetics/Laboratory Corporation of America, LabCorp); PubMed 24350656 (cited by Labcorp Genetics (formerly Invitae), Labcorp and Women's Health and Genetics/Laboratory Corporation of America, LabCorp); PubMed 31976143 (cited by Labcorp Genetics (formerly Invitae), Labcorp and Women's Health and Genetics/Laboratory Corporation of America, LabCorp).